The following is an entry in ClinVar:

ClinVar aggregate classification (germline): Uncertain significance (1 of 4 stars; one submission).

Allele frequency attached by ClinVar (database versions not stated): ExAC 0.00001; TOPMed 0.00002.
gnomAD v4.1: 1 of 1,613,284 alleles (0.000062%); highest among the groups gnomAD compares: Non-Finnish European, 0.000085%; no homozygotes.

Submission:

Labcorp Genetics (formerly Invitae), Labcorp
Classification: Uncertain significance. Last evaluated: 2023-08-29. Review status: criteria provided, single submitter. Criteria: Invitae Variant Classification Sherloc (09022015). Collection method: clinical testing. Allele origin: germline.
Comment: This sequence change affects codon 54 of the IKZF1 mRNA. It is a 'silent' change, meaning that it does not change the encoded amino acid sequence of the IKZF1 protein. This variant is present in population databases (rs766296379, gnomAD 0.0009%). This variant has not been reported in the literature in individuals affected with IKZF1-related conditions. ClinVar contains an entry for this variant (Variation ID: 1998295). Experimental studies and prediction algorithms are not available or were not evaluated, and the effect of this variant on mRNA splicing is currently unknown. In summary, the available evidence is currently insufficient to determine the role of this variant in disease. Therefore, it has been classified as a Variant of Uncertain Significance.

NM_006060.6(IKZF1):c.162C>G (p.Ala54=)

Gene: IKZF1 (IKAROS family zinc finger 1; plus strand). Cytogenetic location: 7p12.2.
Variant type: single nucleotide variant.
Coding change: c.162C>G on transcript NM_006060.6 (MANE Select); coding-DNA position 162, C replaced by G.
Protein change: p.Ala54=; no amino-acid change (alanine 54 retained).
Molecular consequence: synonymous variant. On other transcripts: intron variant (9).
Genome position (GRCh38, 1-based): chr7:50,376,534, C>G. VCF-style: chr7-50376534-C-G. GRCh37 (hg19) VCF-style: chr7-50444232-C-G.
Other names: c.162C>G, p.Ala54= (NM_001220765.3, NM_001220768.2, NM_001220771.2 and 1 more transcripts); c.222C>G, p.Pro74= (NM_001410879.1); c.161-6006C>G (NM_001291839.2, NM_001291838.2, NM_001220767.2 and 1 more transcripts); c.161-10811C>G (NM_001291841.1, NM_001291842.1); c.161-15195C>G (NM_001291843.1, NM_001291844.1); c.161-23384C>G (NM_001291840.1).
Identifiers: ClinVar variation 1998295 (VCV001998295.4), dbSNP rs766296379, ClinGen allele CA4261259.